The following is an entry in ClinVar:

NM_152383.5(DIS3L2):c.1425+1G>A

Gene: DIS3L2 (DIS3 like 3'-5' exoribonuclease 2; plus strand). Cytogenetic location: 2q37.1.
Variant type: single nucleotide variant.
Coding change: c.1425+1G>A on transcript NM_152383.5 (MANE Select); the canonical splice donor site of the intron after coding-DNA position 1425, G replaced by A.
Molecular consequence: splice donor variant.
Genome position (GRCh38, 1-based): chr2:232,249,347, G>A. VCF-style: chr2-232249347-G-A. GRCh37 (hg19) VCF-style: chr2-233114057-G-A.
Other names: c.1425+1G>A (NM_001257281.2).
Identifiers: ClinVar variation 1486255 (VCV001486255.8), dbSNP rs2106264934, ClinGen allele CA351155578.

ClinVar aggregate classification (germline): Likely pathogenic (1 of 4 stars; one submission).

Conditions:
Perlman syndrome (PRLMNS). Identifiers: Orphanet 2849, MedGen C0796113, MONDO:0009965, OMIM 267000.

Submission:

Labcorp Genetics (formerly Invitae), Labcorp
Classification: Likely pathogenic for Perlman syndrome. Last evaluated: 2021-05-26. Review status: criteria provided, single submitter. Criteria: Invitae Variant Classification Sherloc (09022015). Collection method: clinical testing. Allele origin: germline.
Comment: This sequence change affects a donor splice site in intron 12 of the DIS3L2 gene. It is expected to disrupt RNA splicing. Variants that disrupt the donor or acceptor splice site typically lead to a loss of protein function (PMID: 16199547), and loss-of-function variants in DIS3L2 are known to be pathogenic (PMID: 22306653, 28328139). This variant is not present in population databases (ExAC no frequency). This variant has not been reported in the literature in individuals with DIS3L2-related conditions. Algorithms developed to predict the effect of sequence changes on RNA splicing suggest that this variant may disrupt the consensus splice site, but this prediction has not been confirmed by published transcriptional studies. In summary, the currently available evidence indicates that the variant is pathogenic, but additional data are needed to prove that conclusively. Therefore, this variant has been classified as Likely Pathogenic.

Literature cited by the submitters: PubMed 16199547; PubMed 22306653; PubMed 28328139.